The following is an entry in ClinVar:

NM_006269.2(RP1):c.799_800del (p.Met267fs)

Gene: RP1 (RP1 axonemal microtubule associated; plus strand). Cytogenetic location: 8q12.1.
Variant type: Microsatellite.
Coding change: c.799_800del on transcript NM_006269.2 (MANE Select); coding-DNA positions 799 to 800, 2 bases deleted (AT; older notation c.799_800delAT).
Protein change: p.Met267fs; shifts the reading frame from methionine 267.
Molecular consequence: frameshift variant. On other transcripts: intron variant (1).
Genome position (GRCh38, 1-based): chr8:54,624,681-54,624,682, AT deleted; deleting any 2 consecutive bases within chr8:54,624,679-54,624,682 gives the same sequence; the c. name uses the placement nearest the transcript's 3' end. VCF-style (leftmost placement, unchanged base first): chr8-54624678-CAT-C. GRCh37 (hg19) VCF-style: chr8-55537238-CAT-C.
Other names: c.787+2393_787+2394del (NM_001375654.1); short protein forms M267fs.
Identifiers: ClinVar variation 856684 (VCV000856684.8), dbSNP rs1805978316, ClinGen allele CA916082987.

ClinVar aggregate classification (germline): Pathogenic (1 of 4 stars; one submission).

Submission:

Labcorp Genetics (formerly Invitae), Labcorp
Classification: Pathogenic. Last evaluated: 2019-02-11. Review status: criteria provided, single submitter. Criteria: Invitae Variant Classification Sherloc (09022015). Collection method: clinical testing. Allele origin: germline.
Comment: For these reasons, this variant has been classified as Pathogenic. Segregation analysis of a large number of pathogenic variants in patients with dominant or recessive retinitis pigmentosa (RP) indicates that this truncating variant, based on its location in the protein, is expected to be associated with recessive disease (PMID: 9933189). This variant has not been reported in the literature in individuals with RP1-related disease. This variant is not present in population databases (ExAC no frequency). This sequence change results in a premature translational stop signal in the RP1 gene (p.Met267Valfs*14). While this is not anticipated to result in nonsense mediated decay, it is expected to disrupt the last 1889 amino acids of the RP1 protein.

Literature cited by the submitters: PubMed 9933189.